The following is an entry in ClinVar:

NM_004168.4(SDHA):c.1484A>T (p.Asn495Ile)

Gene: SDHA (succinate dehydrogenase complex flavoprotein subunit A; plus strand). Cytogenetic location: 5p15.33.
Variant type: single nucleotide variant.
Coding change: c.1484A>T on transcript NM_004168.4 (MANE Select); coding-DNA position 1484, A replaced by T.
Protein change: p.Asn495Ile; replaces asparagine 495 with isoleucine.
Molecular consequence: missense variant.
Genome position (GRCh38, 1-based): chr5:240,409, A>T. VCF-style: chr5-240409-A-T. GRCh37 (hg19) VCF-style: chr5-240524-A-T.
Other names: c.1340A>T, p.Asn447Ile (NM_001294332.2); c.1484A>T, p.Asn495Ile (NM_001330758.2); short protein forms N447I, N495I.
Identifiers: ClinVar variation 2099362 (VCV002099362.4), dbSNP rs2477397944, ClinGen allele CA359014268.

ClinVar aggregate classification (germline): Uncertain significance (1 of 4 stars; one submission).

Conditions:
Pheochromocytoma/paraganglioma syndrome 5. Also called: Paragangliomas 5; SDHA-Related Hereditary Paraganglioma-Pheochromocytoma Syndrome. Identifiers: Orphanet 29072, MedGen C3279992, MONDO:0013602, OMIM 614165.
Mitochondrial complex II deficiency, nuclear type 1. Also called: SUCCINATE CoQ REDUCTASE DEFICIENCY. Identifiers: Orphanet 3208, MedGen C5700310, MONDO:0100294, OMIM 252011.

Submission:

Labcorp Genetics (formerly Invitae), Labcorp
Classification: Uncertain significance for Pheochromocytoma/paraganglioma syndrome 5; Mitochondrial complex II deficiency, nuclear type 1. Last evaluated: 2022-02-19. Review status: criteria provided, single submitter. Criteria: Invitae Variant Classification Sherloc (09022015). Collection method: clinical testing. Allele origin: germline.
Comment: In summary, the available evidence is currently insufficient to determine the role of this variant in disease. Therefore, it has been classified as a Variant of Uncertain Significance. Advanced modeling of protein sequence and biophysical properties (such as structural, functional, and spatial information, amino acid conservation, physicochemical variation, residue mobility, and thermodynamic stability) performed at Invitae indicates that this missense variant is not expected to disrupt SDHA protein function. This variant has not been reported in the literature in individuals affected with SDHA-related conditions. This variant is not present in population databases (gnomAD no frequency). This sequence change replaces asparagine, which is neutral and polar, with isoleucine, which is neutral and non-polar, at codon 495 of the SDHA protein (p.Asn495Ile).